The following is an entry in ClinVar:

NM_000059.4(BRCA2):c.606del (p.Thr203fs)

Gene: BRCA2 (BRCA2 DNA repair associated; plus strand). Cytogenetic location: 13q13.1.
Variant type: Deletion.
Coding change: c.606del on transcript NM_000059.4 (MANE Select); coding-DNA position 606, one base deleted (C; older notation c.606delC).
Protein change: p.Thr203fs; shifts the reading frame from threonine 203.
Molecular consequence: frameshift variant. On other transcripts: non-coding transcript variant (1).
Genome position (GRCh38, 1-based): chr13:32,326,588, C deleted; the last of 3 consecutive C bases (chr13:32,326,586-32,326,588); deleting any one gives the same sequence. VCF-style (leftmost placement, unchanged base first): chr13-32326585-AC-A. GRCh37 (hg19) VCF-style: chr13-32900722-AC-A.
Other names: c.606del, p.Thr203fs (NM_001406719.1, NM_001406720.1, NM_001406721.1); c.237del, p.Thr80fs (NM_001406722.1); short protein forms T203fs, T80fs.
Identifiers: ClinVar variation 2749642 (VCV002749642.3), dbSNP rs2548515779, ClinGen allele CA2622600954.

ClinVar aggregate classification (germline): Pathogenic (1 of 4 stars; one submission).

Conditions:
Hereditary breast ovarian cancer syndrome. Also called: BRCA1- and BRCA2-Associated Hereditary Breast and Ovarian Cancer; Breast and ovarian cancer; Hereditary breast and/or ovarian cancer syndrome; Hereditary breast and ovarian cancer; Hereditary breast and ovarian cancer syndrome (HBOC); Hereditary breast and ovarian cancer syndrome. Identifiers: Orphanet 145, MedGen C0677776, MeSH D061325, MONDO:0003582. Disease mechanism: loss of function.

Submission:

Labcorp Genetics (formerly Invitae), Labcorp
Classification: Pathogenic for Hereditary breast ovarian cancer syndrome. Last evaluated: 2023-08-03. Review status: criteria provided, single submitter. Criteria: Invitae Variant Classification Sherloc (09022015). Collection method: clinical testing. Allele origin: germline.
Comment: For these reasons, this variant has been classified as Pathogenic. This variant has not been reported in the literature in individuals affected with BRCA2-related conditions. This variant is not present in population databases (gnomAD no frequency). This sequence change creates a premature translational stop signal (p.Thr203Profs*8) in the BRCA2 gene. It is expected to result in an absent or disrupted protein product. Loss-of-function variants in BRCA2 are known to be pathogenic (PMID: 20104584).

Literature cited by the submitters: PubMed 20104584.